The following is an entry in ClinVar:

ClinVar aggregate classification (germline): Uncertain significance. Review status: criteria provided, multiple submitters, no conflicts (2 of 4 stars). 2 submissions from 2 submitters: Uncertain significance (2). Last evaluated 2025-12-07.

Allele frequency attached by ClinVar (database versions not stated): ExAC 0.00002; gnomAD 0.00003; TOPMed 0.00006.

Submissions (2):

Labcorp Genetics (formerly Invitae), Labcorp
Classification: Uncertain significance. Last evaluated: 2025-12-07. Review status: criteria provided, single submitter. Criteria: Invitae Variant Classification Sherloc (09022015). Collection method: clinical testing. Allele origin: germline.
Comment: This sequence change replaces arginine, which is basic and polar, with glutamine, which is neutral and polar, at codon 749 of the MYLK3 protein (p.Arg749Gln). This variant is present in population databases (rs769127734, gnomAD 0.002%). This variant has not been reported in the literature in individuals affected with MYLK3-related conditions. ClinVar contains an entry for this variant (Variation ID: 2168197). An algorithm developed to predict the effect of missense changes on protein structure and function outputs the following: PolyPhen-2: "Possibly Damaging". The glutamine amino acid residue is found in multiple mammalian species, which suggests that this missense change does not adversely affect protein function. In summary, the available evidence is currently insufficient to determine the role of this variant in disease. Therefore, it has been classified as a Variant of Uncertain Significance.

Mayo Clinic Laboratories, Mayo Clinic
Classification: Uncertain significance. Last evaluated: 2025-03-19. Review status: criteria provided, single submitter. Criteria: ACMG Guidelines, 2015. Collection method: clinical testing. Allele origin: germline. Observed: 1 variant allele.
Comment: BP4

NM_182493.3(MYLK3):c.2246G>A (p.Arg749Gln)

Gene: MYLK3 (myosin light chain kinase 3; minus strand). Cytogenetic location: 16q11.2.
Variant type: single nucleotide variant.
Coding change: c.2246G>A on transcript NM_182493.3 (MANE Select); coding-DNA position 2246, G replaced by A.
Protein change: p.Arg749Gln; replaces arginine 749 with glutamine.
Molecular consequence: missense variant.
Genome position (GRCh38, 1-based): chr16:46,710,658, C>T on the plus strand (G>A on the coding strand, the complement: MYLK3 is on the minus strand). VCF-style: chr16-46710658-C-T. GRCh37 (hg19) VCF-style: chr16-46744570-C-T.
Other names: p.Arg749Gln; c.1223G>A, p.Arg408Gln (NM_001308301.1); short protein forms R408Q, R749Q.
Identifiers: ClinVar variation 2168197 (VCV002168197.5), dbSNP rs769127734, ClinGen allele CA8037645.
Genomic context (GRCh38, chr16:46,710,658, plus strand): 5'-CATCAGAAGGGCCCATGAGTGACAAGCAATGAAAGGTACCTCTTCTCTTTGACCAGCAAC[C>T]GGGAAACAAAGTCCTTGGCCTCCTCCGAGAGCCCTTCAAAGGTGTCAGCATCAAAATCCC-3'
Protein context (NP_872299.2, residues 739-759): LSEEAKDFVS[Arg749Gln]LLVKEKSCRM